The following is an entry in ClinVar:

ClinVar aggregate classification (germline): Uncertain significance (1 of 4 stars; one submission).

Conditions:
Dilated cardiomyopathy 1G (CMD1G). Identifiers: Orphanet 154, MedGen C1858763, MONDO:0011400, OMIM 604145.
Autosomal recessive limb-girdle muscular dystrophy type 2J (LGMDR10). Also called: Limb-girdle muscular dystrophy, type 2J; MUSCULAR DYSTROPHY, LIMB-GIRDLE, AUTOSOMAL RECESSIVE 10. Identifiers: Orphanet 140922, MedGen C1837342, MONDO:0012127, OMIM 608807.

gnomAD v4.1: 2 of 1,613,842 alleles (0.00012%); highest among the groups gnomAD compares: Non-Finnish European, 0.000085%; no homozygotes.

Submission:

Labcorp Genetics (formerly Invitae), Labcorp
Classification: Uncertain significance for Dilated cardiomyopathy 1G; Autosomal recessive limb-girdle muscular dystrophy type 2J. Last evaluated: 2024-05-31. Review status: criteria provided, single submitter. Criteria: Invitae Variant Classification Sherloc (09022015). Collection method: clinical testing. Allele origin: germline.
Comment: This sequence change replaces proline, which is neutral and non-polar, with arginine, which is basic and polar, at codon 35281 of the TTN protein (p.Pro35281Arg). This variant is not present in population databases (gnomAD no frequency). This variant has not been reported in the literature in individuals affected with TTN-related conditions. Experimental studies and prediction algorithms are not available or were not evaluated, and the functional significance of this variant is currently unknown. This variant is located in the M band of TTN (PMID: 25589632). Non-truncating variants in this region may be relevant for neuromuscular disorders, but have not been definitively shown to cause cardiomyopathy (PMID: 23975875). In summary, the available evidence is currently insufficient to determine the role of this variant in disease. Therefore, it has been classified as a Variant of Uncertain Significance.

Literature cited by the submitters: PubMed 25589632; PubMed 23975875.

NM_001267550.2(TTN):c.105842C>G (p.Pro35281Arg)

Genes: TTN-AS1 (TTN antisense RNA 1; plus strand), TTN (titin; minus strand), LOC129935183 (ATAC-STARR-seq lymphoblastoid active region 16808; plus strand). Cytogenetic location: 2q31.2.
Variant type: single nucleotide variant.
Coding change: c.105842C>G on transcript NM_001267550.2 (MANE Select); coding-DNA position 105842, C replaced by G.
Protein change: p.Pro35281Arg; replaces proline 35281 with arginine.
Molecular consequence: missense variant.
Genome position (GRCh38, 1-based): chr2:178,530,773, G>C on the plus strand (C>G on the coding strand, the complement: TTN is on the minus strand). VCF-style: chr2-178530773-G-C. GRCh37 (hg19) VCF-style: chr2-179395500-G-C.
Other names: c.100919C>G, p.Pro33640Arg (NM_001256850.1); c.78647C>G, p.Pro26216Arg (NM_003319.4); c.98138C>G, p.Pro32713Arg (NM_133378.4); c.79022C>G, p.Pro26341Arg (NM_133432.3); c.79223C>G, p.Pro26408Arg (NM_133437.4); short protein forms P26216R, P26341R, P26408R, P32713R, P33640R, P35281R.
Identifiers: ClinVar variation 3756434 (VCV003756434.2).